The following is an entry in ClinVar:

ClinVar aggregate classification (germline): Likely pathogenic (1 of 4 stars; one submission).

Conditions:
Intellectual developmental disorder with abnormal behavior, microcephaly, and short stature. Identifiers: MedGen C5193039, MONDO:0032687, OMIM 618342.

Submission:

Laboratorio de Genetica e Diagnostico Molecular, Hospital Israelita Albert Einstein
Classification: Likely pathogenic for Intellectual developmental disorder with abnormal behavior, microcephaly, and short stature. Last evaluated: 2022-10-28. Review status: criteria provided, single submitter. Criteria: ACMG Guidelines, 2015. Collection method: clinical testing. Allele origin: germline. Affected: yes. Observed: 1 variant allele.
Comment: ACMG classification criteria: PVS1 very strong, PM2 moderated

NM_019042.5(PUS7):c.1196G>A (p.Trp399Ter)

Gene: PUS7 (pseudouridine synthase 7; minus strand). Cytogenetic location: 7q22.3.
Variant type: single nucleotide variant.
Coding change: c.1196G>A on transcript NM_019042.5 (MANE Select); coding-DNA position 1196, G replaced by A.
Protein change: p.Trp399Ter; replaces tryptophan 399 with a stop codon.
Molecular consequence: nonsense.
Genome position (GRCh38, 1-based): chr7:105,472,173, C>T on the plus strand (G>A on the coding strand, the complement: PUS7 is on the minus strand). VCF-style: chr7-105472173-C-T. GRCh37 (hg19) VCF-style: chr7-105112620-C-T.
Other names: c.1214G>A, p.Trp405Ter (NM_001318163.1); c.1196G>A, p.Trp399Ter (NM_001318164.2); short protein forms W399*, W405*.
Identifiers: ClinVar variation 2431797 (VCV002431797.1), dbSNP rs2484846964, ClinGen allele CA368789870.